The following is an entry in ClinVar:

NM_000587.4(C7):c.936del (p.Glu312fs)

Gene: C7 (complement C7; plus strand). Cytogenetic location: 5p13.1.
Variant type: Deletion.
Coding change: c.936del on transcript NM_000587.4 (MANE Select); coding-DNA position 936, one base deleted (A; older notation c.936delA).
Protein change: p.Glu312fs; shifts the reading frame from glutamic acid 312.
Molecular consequence: frameshift variant.
Genome position (GRCh38, 1-based): chr5:40,947,799, A deleted; the last of 2 consecutive A bases (chr5:40,947,798-40,947,799); deleting either gives the same sequence. VCF-style (leftmost placement, unchanged base first): chr5-40947797-GA-G. GRCh37 (hg19) VCF-style: chr5-40947899-GA-G.
Other names: short protein forms E312fs.
Identifiers: ClinVar variation 3001628 (VCV003001628.3), dbSNP rs769957169, ClinGen allele CA3249793.

ClinVar aggregate classification (germline): Pathogenic (1 of 4 stars; one submission).

Submission:

Labcorp Genetics (formerly Invitae), Labcorp
Classification: Pathogenic. Last evaluated: 2023-05-12. Review status: criteria provided, single submitter. Criteria: Invitae Variant Classification Sherloc (09022015). Collection method: clinical testing. Allele origin: germline.
Comment: For these reasons, this variant has been classified as Pathogenic. This variant has not been reported in the literature in individuals affected with C7-related conditions. This variant is present in population databases (rs769957169, gnomAD 0.004%). This sequence change creates a premature translational stop signal (p.Glu312Aspfs*13) in the C7 gene. It is expected to result in an absent or disrupted protein product. Loss-of-function variants in C7 are known to be pathogenic (PMID: 9856499, 17407100).

Literature cited by the submitters: PubMed 9856499; PubMed 17407100.